The following is an entry in ClinVar:

ClinVar aggregate classification (germline): Pathogenic (1 of 4 stars; one submission).

Conditions:
Early-infantile DEE. Also called: Early infantile epileptic encephalopathy; Ohtahara syndrome; Early infantile epileptic encephalopathy with suppression bursts. Identifiers: Orphanet 1934, MedGen C0393706, MONDO:0800491.

Submission:

Labcorp Genetics (formerly Invitae), Labcorp
Classification: Pathogenic for Early-infantile DEE. Last evaluated: 2023-07-21. Review status: criteria provided, single submitter. Criteria: Invitae Variant Classification Sherloc (09022015). Collection method: clinical testing. Allele origin: germline.
Comment: For these reasons, this variant has been classified as Pathogenic. Algorithms developed to predict the effect of sequence changes on RNA splicing suggest that this variant may disrupt the consensus splice site. ClinVar contains an entry for this variant (Variation ID: 1455048). This variant is also known as c.4549-1G>C. Disruption of this splice site has been observed in individual(s) with Dravet syndrome (PMID: 30185235). In at least one individual the variant was observed to be de novo. This variant is not present in population databases (gnomAD no frequency). This sequence change affects an acceptor splice site in intron 24 of the SCN1A gene. It is expected to disrupt RNA splicing. Variants that disrupt the donor or acceptor splice site typically lead to a loss of protein function (PMID: 16199547), and loss-of-function variants in SCN1A are known to be pathogenic (PMID: 17347258, 18930999).

Literature cited by the submitters: PubMed 30185235; PubMed 16199547; PubMed 17347258; PubMed 18930999.

NM_001165963.4(SCN1A):c.4582-1G>C

Genes: SCN1A (sodium voltage-gated channel alpha subunit 1; minus strand), LOC102724058 (uncharacterized LOC102724058; plus strand). Cytogenetic location: 2q24.3.
Variant type: single nucleotide variant.
Coding change: c.4582-1G>C on transcript NM_001165963.4 (MANE Select); the canonical splice acceptor site of the intron before coding-DNA position 4582, G replaced by C.
Molecular consequence: splice acceptor variant.
Genome position (GRCh38, 1-based): chr2:165,994,417, C>G on the plus strand (G>C on the coding strand, the complement: SCN1A is on the minus strand). VCF-style: chr2-165994417-C-G. GRCh37 (hg19) VCF-style: chr2-166850927-C-G.
Other names: c.4549-1G>C (NM_001353949.2, NM_001353950.2, NM_001353951.2 and 2 more transcripts); c.4498-1G>C (NM_001353958.2, NM_001353957.2, NM_001165964.3); c.4582-1G>C (NM_001202435.3, NM_001353948.2); c.4546-1G>C (NM_001353955.2, NM_001353954.2); c.4495-1G>C (NM_001353960.2); c.2140-1G>C (NM_001353961.2).
Identifiers: ClinVar variation 1455048 (VCV001455048.7), dbSNP rs2105449923, ClinGen allele CA349072389.